The following is an entry in ClinVar:

ClinVar aggregate classification (germline): Uncertain significance. Review status: criteria provided, single submitter (1 of 4 stars). 2 submissions from 2 submitters: Uncertain significance (1). 1 of the submissions does not count toward it. Last evaluated 2018-12-24.

Conditions:
Walker-Warburg congenital muscular dystrophy. Also called: Muscular dystrophy-dystroglycanopathy, type A; Walker-Warburg syndrome. Identifiers: Orphanet 899, MedGen C0265221, MONDO:0000171.

Allele frequency attached by ClinVar (database versions not stated): TOPMed below 0.00001; gnomAD 0.00001.

Submissions (2):

Labcorp Genetics (formerly Invitae), Labcorp
Classification: Uncertain significance for Walker-Warburg congenital muscular dystrophy. Last evaluated: 2018-12-24. Review status: criteria provided, single submitter. Criteria: Invitae Variant Classification Sherloc (09022015). Collection method: clinical testing. Allele origin: germline.
Comment: In summary, the available evidence is currently insufficient to determine the role of this variant in disease. Therefore, it has been classified as a Variant of Uncertain Significance. Algorithms developed to predict the effect of missense changes on protein structure and function are either unavailable or do not agree on the potential impact of this missense change (SIFT: "Deleterious"; PolyPhen-2: "Possibly Damaging"; Align-GVGD: "Class C0"). This variant has not been reported in the literature in individuals with FKTN-related conditions. This variant is not present in population databases (ExAC no frequency). This sequence change replaces isoleucine with methionine at codon 4 of the FKTN protein (p.Ile4Met). The isoleucine residue is moderately conserved and there is a small physicochemical difference between isoleucine and methionine.

Natera, Inc.
Classification: Uncertain significance for Walker-Warburg congenital muscular dystrophy. Last evaluated: 2020-11-04. Review status: no assertion criteria provided. Collection method: clinical testing. Allele origin: germline. Not counted in ClinVar's aggregate classification.

NM_001079802.2(FKTN):c.12C>G (p.Ile4Met)

Gene: FKTN (fukutin; plus strand). Cytogenetic location: 9q31.2.
Variant type: single nucleotide variant.
Coding change: c.12C>G on transcript NM_001079802.2 (MANE Select); coding-DNA position 12, C replaced by G.
Protein change: p.Ile4Met; replaces isoleucine 4 with methionine.
Molecular consequence: missense variant. On other transcripts: 5 prime UTR variant (5), non-coding transcript variant (2).
Genome position (GRCh38, 1-based): chr9:105,575,044, C>G. VCF-style: chr9-105575044-C-G. GRCh37 (hg19) VCF-style: chr9-108337325-C-G.
Other names: c.12C>G, p.Ile4Met (NM_001351498.2, NM_006731.2, NM_001198963.2 and 1 more transcripts); c.-503C>G (NM_001351499.2, NM_001351500.2, NM_001351501.2 and 1 more transcripts); c.-156C>G (NM_001351497.2); short protein forms I4M.
Identifiers: ClinVar variation 640673 (VCV000640673.11), dbSNP rs1389073650, ClinGen allele CA374330803.